The following is an entry in ClinVar:

ClinVar aggregate classification (germline): Uncertain significance. Review status: criteria provided, multiple submitters, no conflicts (2 of 4 stars). 8 submissions from 8 submitters: Uncertain significance (8). Last evaluated 2026-01-06.

Conditions:
Cardiovascular phenotype. Identifiers: MedGen CN230736.
Catecholaminergic polymorphic ventricular tachycardia 2. Also called: VENTRICULAR TACHYCARDIA, STRESS-INDUCED POLYMORPHIC 2; CASQ2-Related Catecholaminergic Polymorphic Ventricular Tachycardia. Identifiers: Orphanet 3286, MedGen C2677794, MONDO:0012762, OMIM 611938.
Catecholaminergic polymorphic ventricular tachycardia 1. Also called: VENTRICULAR TACHYCARDIA, CATECHOLAMINERGIC POLYMORPHIC, 1, WITH OR WITHOUT ATRIAL DYSFUNCTION AND/OR DILATED CARDIOMYOPATHY; VENTRICULAR TACHYCARDIA, STRESS-INDUCED POLYMORPHIC 1; RYR2-Related Catecholaminergic Polymorphic Ventricular Tachycardia. Identifiers: Orphanet 3286, MedGen C1631597, MONDO:0011484, OMIM 604772.
Cardiomyopathy (CMYO). Also called: Cardiomyopathies. Identifiers: Orphanet 167848, MedGen C0878544, MONDO:0004994, HP:0001638. Inheritance: Various modes of inheritance.

Allele frequency attached by ClinVar (database versions not stated): gnomAD 0.00007; TOPMed 0.00014; ESP Exome Variant Server 0.00015.
gnomAD v4.1: 123 of 1,614,018 alleles (0.0076%); highest among the groups gnomAD compares: Admixed American, 0.045%; no homozygotes.

Submissions (8):

Labcorp Genetics (formerly Invitae), Labcorp
Classification: Uncertain significance for Catecholaminergic polymorphic ventricular tachycardia 1. Last evaluated: 2026-01-06. Review status: criteria provided, single submitter. Criteria: Invitae Variant Classification Sherloc (09022015). Collection method: clinical testing. Allele origin: germline.
Comment: This sequence change replaces glutamic acid, which is acidic and polar, with lysine, which is basic and polar, at codon 159 of the CASQ2 protein (p.Glu159Lys). This variant is present in population databases (rs375598471, gnomAD 0.07%). This variant has not been reported in the literature in individuals affected with CASQ2-related conditions. ClinVar contains an entry for this variant (Variation ID: 292132). Invitae Evidence Modeling of protein sequence and biophysical properties (such as structural, functional, and spatial information, amino acid conservation, physicochemical variation, residue mobility, and thermodynamic stability) indicates that this missense variant is not expected to disrupt CASQ2 protein function with a negative predictive value of 80%. In summary, the available evidence is currently insufficient to determine the role of this variant in disease. Therefore, it has been classified as a Variant of Uncertain Significance.

Women's Health and Genetics/Laboratory Corporation of America, LabCorp
Classification: Uncertain significance. Last evaluated: 2025-12-08. Review status: criteria provided, single submitter. Criteria: LabCorp Variant Classification Summary - May 2015. Collection method: clinical testing. Allele origin: germline.
Comment: Variant summary: CASQ2 c.475G>A (p.Glu159Lys) results in a conservative amino acid change in the encoded protein sequence. Algorithms developed to predict the effect of missense changes on protein structure and function are either unavailable or do not agree on the potential impact of this missense change. The variant allele was found at a frequency of 0.00019 in 251412 control chromosomes. This frequency is not significantly higher than estimated for disease-causing variants in CASQ2, allowing no conclusion about variant significance. To our knowledge, no occurrence of c.475G>A in individuals affected with CASQ2-related conditions and no experimental evidence demonstrating its impact on protein function have been reported. ClinVar contains an entry for this variant (Variation ID: 292132). Based on the evidence outlined above, the variant was classified as uncertain significance.

Ambry Genetics
Classification: Uncertain significance for Cardiovascular phenotype. Last evaluated: 2025-01-13. Review status: criteria provided, single submitter. Criteria: Ambry Variant Classification Scheme 2023. Collection method: clinical testing. Allele origin: germline.
Comment: The p.E159K variant (also known as c.475G>A), located in coding exon 4 of the CASQ2 gene, results from a G to A substitution at nucleotide position 475. The glutamic acid at codon 159 is replaced by lysine, an amino acid with similar properties. This amino acid position is not well conserved in available vertebrate species. In addition, the in silico prediction for this alteration is inconclusive. Since supporting evidence is limited at this time, the clinical significance of this alteration remains unclear.

Genome-Nilou Lab
Classification: Uncertain significance for Catecholaminergic polymorphic ventricular tachycardia 2. Last evaluated: 2023-04-11. Review status: criteria provided, single submitter. Criteria: ACMG Guidelines, 2015. Collection method: clinical testing. Allele origin: germline. Affected: no.

Fulgent Genetics
Classification: Uncertain significance for Catecholaminergic polymorphic ventricular tachycardia 1; Catecholaminergic polymorphic ventricular tachycardia 2. Last evaluated: 2021-08-18. Review status: criteria provided, single submitter. Criteria: ACMG Guidelines, 2015. Collection method: clinical testing. Allele origin: unknown.

CHEO Genetics Diagnostic Laboratory, Children's Hospital of Eastern Ontario
Classification: Uncertain significance for Cardiomyopathy. Last evaluated: 2021-07-14. Review status: criteria provided, single submitter. Criteria: ACMG Guidelines, 2015. Collection method: clinical testing. Allele origin: germline.

Illumina Laboratory Services, Illumina
Classification: Uncertain significance for Catecholaminergic polymorphic ventricular tachycardia 2. Last evaluated: 2018-01-13. Review status: criteria provided, single submitter. Criteria: ICSL Variant Classification Criteria 13 December 2019. Collection method: clinical testing. Allele origin: germline.

GeneDx
Classification: Uncertain significance. Last evaluated: 2016-11-22. Review status: criteria provided, single submitter. Criteria: GeneDx Variant Classification (06012015). Collection method: clinical testing. Allele origin: germline. Affected: yes.
Comment: A variant of uncertain significance has been identified in the CASQ2 gene. The E159K variant has not been published as a pathogenic variant or been reported as a benign variant to our knowledge. This variant was not observed with any significant frequency in both the Exome Aggregation Consortium and in approximately 6,500 individuals of European and African American ancestry in the NHLBI Exome Sequencing Project, indicating it is not a common benign variant in these populations. The E159K variant is a non-conservative amino acid substitution, which is likely to impact secondary protein structure as these residues differ in polarity, charge, size and/or other properties. Nevertheless, this substitution occurs at a position where amino acids with similar properties to Glutamic acid are tolerated across species. Furthermore, in silico analysis is inconsistent in its predictions as to whether or not the variant is damaging to the protein structure/function.Therefore, based on the currently available information, it is unclear whether this variant is pathogenic or benign. This result cannot be interpreted for diagnosis or used for family member screening at this time. As CPVT due to pathogenic variants in the CASQ2 gene is an autosomal recessive disease, it is expected that an affected individual would harbor variants in both alleles of the CASQ2 gene (in trans). No second variant was identified by this sequencing or deletion/duplication analysis. The possibility that this patient harbors a second CASQ2 variant that is undetectable by this test cannot be excluded.

NM_001232.4(CASQ2):c.475G>A (p.Glu159Lys)

Gene: CASQ2 (calsequestrin 2; minus strand). Cytogenetic location: 1p13.1.
Variant type: single nucleotide variant.
Coding change: c.475G>A on transcript NM_001232.4 (MANE Select); coding-DNA position 475, G replaced by A.
Protein change: p.Glu159Lys; replaces glutamic acid 159 with lysine.
Molecular consequence: missense variant.
Genome position (GRCh38, 1-based): chr1:115,738,281, C>T on the plus strand (G>A on the coding strand, the complement: CASQ2 is on the minus strand). VCF-style: chr1-115738281-C-T. GRCh37 (hg19) VCF-style: chr1-116280902-C-T.
Other names: short protein forms E159K.
Identifiers: ClinVar variation 292132 (VCV000292132.20), dbSNP rs375598471, ClinGen allele CA1023899.